The following is an entry in ClinVar:

ClinVar aggregate classification (germline): Uncertain significance. Review status: criteria provided, multiple submitters, no conflicts (2 of 4 stars). 6 submissions from 6 submitters: Uncertain significance (6). Last evaluated 2026-01-05.

Conditions:
Inborn genetic diseases. Identifiers: MedGen C0950123, MeSH D030342.
2-aminoadipic 2-oxoadipic aciduria (AAKAD). Also called: ALPHA-AMINOADIPIC AND ALPHA-KETOADIPIC ACIDURIA; Aminoadipic aciduria. Identifiers: Orphanet 79154, MedGen C1859817, MONDO:0008774, OMIM 204750.
Tip-toe gait. Also called: Toe walking. Identifiers: MedGen C0427144, HP:0030051.

Allele frequency attached by ClinVar (database versions not stated): ExAC 0.00011; gnomAD exomes 0.00012 and 0.00018; ESP Exome Variant Server 0.00008; gnomAD 0.00015 and 0.00016; TOPMed 0.00012.
gnomAD v4.1: 271 of 1,609,140 alleles (0.017%); highest among the groups gnomAD compares: Non-Finnish European, 0.022%; no homozygotes.

Submissions (6):

Labcorp Genetics (formerly Invitae), Labcorp
Classification: Uncertain significance for 2-aminoadipic 2-oxoadipic aciduria. Last evaluated: 2026-01-05. Review status: criteria provided, single submitter. Criteria: Invitae Variant Classification Sherloc (09022015). Collection method: clinical testing. Allele origin: germline.
Comment: This sequence change replaces arginine, which is basic and polar, with glutamine, which is neutral and polar, at codon 455 of the DHTKD1 protein (p.Arg455Gln). This variant is present in population databases (rs142068634, gnomAD 0.03%). This missense change has been observed in individuals with 2-aminoadipic 2-oxoadipic aciduria (PMID: 25860818). ClinVar contains an entry for this variant (Variation ID: 810993). An algorithm developed to predict the effect of missense changes on protein structure and function (PolyPhen-2) suggests that this variant is likely to be disruptive. In summary, the available evidence is currently insufficient to determine the role of this variant in disease. Therefore, it has been classified as a Variant of Uncertain Significance.

Women's Health and Genetics/Laboratory Corporation of America, LabCorp
Classification: Uncertain significance. Last evaluated: 2024-08-20. Review status: criteria provided, single submitter. Criteria: LabCorp Variant Classification Summary - May 2015. Collection method: clinical testing. Allele origin: germline.
Comment: Variant summary: DHTKD1 c.1364G>A (p.Arg455Gln) results in a conservative amino acid change located in the Dehydrogenase, E1 component domain (IPR001017) of the encoded protein sequence. Four of five in-silico tools predict a damaging effect of the variant on protein function. The variant allele was found at a frequency of 0.00012 in 245878 control chromosomes. This frequency is not significantly higher than estimated for a pathogenic variant in DHTKD1 causing 2-Aminoadipic 2-Oxoadipic Aciduria, allowing no conclusion about variant significance. c.1364G>A has been reported in the literature in individuals affected with 2-Aminoadipic 2-Oxoadipic Aciduria as a compound heterozygous or heterozygous genotype (e.g. Hagen_2015). This report does not provide unequivocal conclusions about association of the variant with 2-Aminoadipic 2-Oxoadipic Aciduria. To our knowledge, no experimental evidence demonstrating its impact on protein function have been reported. The following publication has been ascertained in the context of this evaluation (PMID: 25860818). ClinVar contains an entry for this variant (Variation ID: 810993). Based on the evidence outlined above, the variant was classified as uncertain significance.

GeneDx
Classification: Uncertain significance. Last evaluated: 2024-07-03. Review status: criteria provided, single submitter. Criteria: GeneDx Variant Classification Process June 2021. Collection method: clinical testing. Allele origin: germline. Affected: yes.
Comment: Reported in three patients with alpha-aminoadipic and alpha-ketoadipic aciduria, two of these patients also harbor additional variants in the DHTKD1 gene (PMID: 25860818); Published functional studies suggest a damaging effect on enzyme activity (PMID: 32633484, 35897808); In silico analysis supports that this missense variant has a deleterious effect on protein structure/function; This variant is associated with the following publications: (PMID: 6163632, 35897808, 32695416, 32633484, 25860818, 35052424)

Ambry Genetics
Classification: Uncertain significance for Inborn genetic diseases. Last evaluated: 2021-02-25. Review status: criteria provided, single submitter. Criteria: Ambry Variant Classification Scheme 2023. Collection method: clinical testing. Allele origin: germline.

Practice for Gait Abnormalities, David Pomarino, Competency Network Toe Walking C/o Practice Pomarino
Classification: Uncertain significance for Tip-toe gait. Last evaluated: 2020-10-06. Review status: criteria provided, single submitter. Criteria: ACMG Guidelines, 2015. Collection method: clinical testing. Allele origin: unknown. Affected: yes. Observed: 1 variant allele, 1 heterozygote.
Comment: Hereditary motor sensory neuropathy (HMSN), also known as Charcot-Marie-Tooth Disease (CMT), is the most commonly inherited peripheral polyneuropathy. It constitutes a group of inherited, progressive, motor and sensory peripheral nerve disorders with properties of demyelination, axonal degeneration, or both. It is classified by clinical characteristics, modes of inheritance, electrophysiologic features, metabolic defects, and specific gene markers. Our patients all walk on tiptoe, so they show similar symptoms. When we genetically test them with our toe walking panel, we find that around 90 per cent of them have a genetic variant that explains their toe walking. These can be assigned, for example, to the area of myopathies (such as variants of the COL6A3 gene), the area of hereditary neuropathies (such as variants of the KMT2C gene) or the area of metabolic diseases (such as variants of the PYGM gene). In a smaller group of patients with almost identical symptoms, no abnormality is found in the genes of our panel, but spastic paraplegia can be detected. In another small group of our toe walkers, no abnormalities can be detected in the genes analysed in our toe walking panel, nor do they suffer from spastic paraplegia, as is also the case with healthy children. In contrast to these, however, they show a tiptoe gait. These patients suffer from infantile cerebral palsy, in which toe walking can also be observed.

ARUP Laboratories, Molecular Genetics and Genomics, ARUP Laboratories
Classification: Uncertain significance. Last evaluated: 2019-04-19. Review status: criteria provided, single submitter. Criteria: ARUP Molecular Germline Variant Investigation Process. Collection method: clinical testing. Allele origin: germline.
Comment: The DHTKD1 c.1364G>A; p.Arg455Gln variant (rs142068634) has been detected in at least three patients diagnosed with alpha-aminoadipic and/or alpha-ketoadipic aciduria (Hagen 2015), but no further evidence of pathogenicity has, to our knowledge, been published in the medical literature. This variant is found in the non-Finnish European population with an overall allele frequency of 0.03% (32/126094 alleles) in the Genome Aggregation Database. The arginine at position 455 is highly conserved, and computational analyses (SIFT, PolyPhen-2) predict that this variant is deleterious. However, given the lack of clinical and functional data, the significance of the p.Arg455Gln variant is uncertain at this time. References: Hagen J et al. Genetic basis of alpha-aminoadipic and alpha-ketoadipic aciduria. J Inherit Metab Dis. 2015 Sep;38(5):873-9.

Literature cited by the submitters: PubMed 25860818 (cited by Labcorp Genetics (formerly Invitae), Labcorp and Women's Health and Genetics/Laboratory Corporation of America, LabCorp); PubMed 37091313 (cited by Practice for Gait Abnormalities, David Pomarino, Competency Network Toe Walking C/o Practice Pomarino).

NM_018706.7(DHTKD1):c.1364G>A (p.Arg455Gln)

Gene: DHTKD1 (dehydrogenase E1 and transketolase domain containing 1; plus strand). Cytogenetic location: 10p14.
Variant type: single nucleotide variant.
Coding change: c.1364G>A on transcript NM_018706.7 (MANE Select); coding-DNA position 1364, G replaced by A.
Protein change: p.Arg455Gln; replaces arginine 455 with glutamine.
Molecular consequence: missense variant.
Genome position (GRCh38, 1-based): chr10:12,097,689, G>A. VCF-style: chr10-12097689-G-A. GRCh37 (hg19) VCF-style: chr10-12139688-G-A.
Other names: c.1364G>A (NM_018706.6, NM_018706.5); short protein forms R455Q.
Identifiers: ClinVar variation 810993 (VCV000810993.19), dbSNP rs142068634, ClinGen allele CA5407838.